The following is an entry in ClinVar:

NM_003906.5(MCM3AP):c.4526C>T (p.Ala1509Val)

Genes: MCM3AP (minichromosome maintenance complex component 3 associated protein; minus strand), MCM3AP-AS1 (MCM3AP antisense RNA 1; plus strand). Cytogenetic location: 21q22.3.
Variant type: single nucleotide variant.
Coding change: c.4526C>T on transcript NM_003906.5 (MANE Select); coding-DNA position 4526, C replaced by T.
Protein change: p.Ala1509Val; replaces alanine 1509 with valine.
Molecular consequence: missense variant.
Genome position (GRCh38, 1-based): chr21:46,246,651, G>A on the plus strand (C>T on the coding strand, the complement: MCM3AP is on the minus strand). VCF-style: chr21-46246651-G-A. GRCh37 (hg19) VCF-style: chr21-47666565-G-A.
Other names: c.4526C>T (NM_003906.4); short protein forms A1509V.
Identifiers: ClinVar variation 1473044 (VCV001473044.4), dbSNP rs769709166, ClinGen allele CA10076106.

ClinVar aggregate classification (germline): Uncertain significance (1 of 4 stars; one submission).

Conditions:
Peripheral neuropathy, autosomal recessive, with or without impaired intellectual development. Identifiers: MedGen C4748283, MONDO:0029131, OMIM 618124.

Allele frequency attached by ClinVar (database versions not stated): TOPMed 0.00002; gnomAD exomes 0.00002; gnomAD 0.00001; ExAC 0.00002.
gnomAD v4.1: 37 of 1,610,710 alleles (0.0023%); highest among the groups gnomAD compares: East Asian, 0.0067%; no homozygotes.

Submission:

Labcorp Genetics (formerly Invitae), Labcorp
Classification: Uncertain significance. Last evaluated: 2022-07-29. Review status: criteria provided, single submitter. Criteria: Invitae Variant Classification Sherloc (09022015). Collection method: clinical testing. Allele origin: germline.
Comment: This sequence change replaces alanine, which is neutral and non-polar, with valine, which is neutral and non-polar, at codon 1509 of the MCM3AP protein (p.Ala1509Val). This variant is present in population databases (rs769709166, gnomAD 0.006%). This variant has not been reported in the literature in individuals affected with MCM3AP-related conditions. ClinVar contains an entry for this variant (Variation ID: 1473044). Algorithms developed to predict the effect of missense changes on protein structure and function (SIFT, PolyPhen-2, Align-GVGD) all suggest that this variant is likely to be tolerated. In summary, the available evidence is currently insufficient to determine the role of this variant in disease. Therefore, it has been classified as a Variant of Uncertain Significance.